The following is an entry in ClinVar:

NM_007294.4(BRCA1):c.5212G>A (p.Gly1738Arg)

Gene: BRCA1 (BRCA1 DNA repair associated; minus strand). Cytogenetic location: 17q21.31.
Variant type: single nucleotide variant.
Coding change: c.5212G>A on transcript NM_007294.4 (MANE Select); coding-DNA position 5212, G replaced by A.
Protein change: p.Gly1738Arg; replaces glycine 1738 with arginine.
Molecular consequence: missense variant. On other transcripts: non-coding transcript variant (1).
Genome position (GRCh38, 1-based): chr17:43,057,117, C>T on the plus strand (G>A on the coding strand, the complement: BRCA1 is on the minus strand). VCF-style: chr17-43057117-C-T. GRCh37 (hg19) VCF-style: chr17-41209134-C-T.
Other names: 5331G>A; c.5071G>A, p.Gly1691Arg (NM_001407728.1, NM_001407729.1, NM_001407695.1 and 13 more transcripts); c.5068G>A, p.Gly1690Arg (NM_001407739.1, NM_001407740.1, NM_001407741.1 and 21 more transcripts); c.5065G>A, p.Gly1689Arg (NM_001407844.1, NM_001407845.1, NM_001407846.1 and 12 more transcripts); c.5002G>A, p.Gly1668Arg (NM_001407879.1, NM_001407881.1, NM_001407882.1 and 5 more transcripts); c.4999G>A, p.Gly1667Arg (NM_001407894.1, NM_001407895.1, NM_001407908.1 and 12 more transcripts); c.4996G>A, p.Gly1666Arg (NM_001407915.1, NM_001407916.1, NM_001407917.1 and 1 more transcripts); c.5089G>A, p.Gly1697Arg (NM_001407919.1, NM_001407664.1, NM_001407665.1 and 6 more transcripts); and 73 more; short protein forms G1738R, G1691R, G634R, G1759R, G1442R, G1609R, G1610R, G1611R.
Identifiers: ClinVar variation 55461 (VCV000055461.36), dbSNP rs80356937, ClinGen allele CA003363.

ClinVar aggregate classification (germline): Pathogenic. Review status: reviewed by expert panel (3 of 4 stars). 16 submissions from 16 submitters: Pathogenic (1). 15 of the submissions do not count toward it. Last evaluated 2015-08-10.

Conditions:
Familial cancer of breast. Also called: hereditary breast carcinoma; BREAST CANCER, FAMILIAL; Hereditary breast cancer. Identifiers: Orphanet 227535, MedGen C0346153, MONDO:0016419, OMIM 114480. Disease mechanism: loss of function.
Hereditary cancer-predisposing syndrome. Also called: Hereditary Cancer Syndrome; Hereditary neoplastic syndrome; Neoplastic Syndromes, Hereditary; Tumor predisposition. Identifiers: Orphanet 140162, MedGen C0027672, MeSH D009386, MONDO:0015356.
Hereditary breast ovarian cancer syndrome. Also called: BRCA1- and BRCA2-Associated Hereditary Breast and Ovarian Cancer; Hereditary breast and ovarian cancer syndrome; Hereditary breast and ovarian cancer syndrome (HBOC); Breast and ovarian cancer; Hereditary breast and/or ovarian cancer syndrome; Hereditary breast and ovarian cancer. Identifiers: Orphanet 145, MedGen C0677776, MeSH D061325, MONDO:0003582. Disease mechanism: loss of function.
Breast-ovarian cancer, familial, susceptibility to, 1 (BROVCA1). Also called: BRCA1 Hereditary Breast and Ovarian Cancer; OVARIAN CANCER, SUSCEPTIBILITY TO. Identifiers: Orphanet 145, MedGen C2676676, MONDO:0011450, OMIM 604370. Disease mechanism: loss of function.

Submissions 1 to 4 of 17:

Evidence-based Network for the Interpretation of Germline Mutant Alleles (ENIGMA)
Classification: Pathogenic for Breast-ovarian cancer, familial 1. Last evaluated: 2015-08-10. Review status: reviewed by expert panel. Criteria: ENIGMA BRCA1/2 Classification Criteria (2015). Collection method: curation. Allele origin: germline.
Comment: IARC class based on posterior probability from multifactorial likelihood analysis, thresholds for class as per Plon et al. 2008 (PMID: 18951446). Class 5 based on posterior probability = 1

Labcorp Genetics (formerly Invitae), Labcorp
Classification: Pathogenic for Hereditary breast ovarian cancer syndrome. Last evaluated: 2025-01-27. Review status: criteria provided, single submitter. Criteria: Invitae Variant Classification Sherloc (09022015). Collection method: clinical testing. Allele origin: germline. Not counted in ClinVar's aggregate classification.
Comment: This sequence change replaces glycine, which is neutral and non-polar, with arginine, which is basic and polar, at codon 1738 of the BRCA1 protein (p.Gly1738Arg). This variant is not present in population databases (gnomAD no frequency). This missense change has been observed in individual(s) with breast and/or ovarian cancer (PMID: 15353005, 16489001, 17453335, 17902052, 23536787, 24010542). It is commonly reported in individuals of Greek ancestry (PMID: 15353005, 17902052, 23536787). ClinVar contains an entry for this variant (Variation ID: 55461). Invitae Evidence Modeling incorporating data from in vitro experimental studies (PMID: 30209399) indicates that this missense variant is expected to disrupt BRCA1 function with a positive predictive value of 95%. Experimental studies have shown that this missense change affects BRCA1 function (PMID: 17305420, 17308087, 18036263, 20516115). This variant disrupts the p.Gly1738 amino acid residue in BRCA1. Other variant(s) that disrupt this residue have been determined to be pathogenic (PMID: 10811118, 11157798, 18465347, 21918854, 23113073). This suggests that this residue is clinically significant, and that variants that disrupt this residue are likely to be disease-causing. For these reasons, this variant has been classified as Pathogenic.

Color Diagnostics, LLC DBA Color Health
Classification: Pathogenic for Hereditary cancer-predisposing syndrome. Last evaluated: 2024-03-11. Review status: criteria provided, single submitter. Criteria: ACMG Guidelines, 2015. Collection method: clinical testing. Allele origin: germline. Not counted in ClinVar's aggregate classification.
Comment: This missense variant replaces glycine with arginine at codon 1738 of the BRCA1 protein. Computational prediction suggests that this variant may have deleterious impact on protein structure and function. Functional studies have reported that this variant impacts BRCA1 function in transcription activation, haploid cell proliferation, yeast colony size, centrosome amplification, and radiation-induced nuclear foci assays (PMID: 14534301, 17308087, 18036263, 20516115, 27272900, 28781887, 30209399). This variant has been reported in dozens of individuals and families affected with breast and/or ovarian cancer (PMID: 12142080, 15353005, 17902052, 19491894, 22085629, 23536787, 29310832, 30340058, 30446274, 33274848) and is known as a founder mutation in the Greek population based on haplotype analysis (PMID: 17902052, 24010542). This variant has also been identified in 39 families among the CIMBA participants (PMID: 29446198). . This variant has not been identified in the general population by the Genome Aggregation Database (gnomAD). A different nucleotide change c.5212G>C resulting in the same protein consequence (ClinVar variation ID: 865165) and other missense substitutions at the same codon (p.Gly1738Glu, p.Gly1738Val) are known to be disease-causing in ClinVar (variation ID: 55462, 845528). This indicates the important role of glycine at this codon in BRCA1 function. Based on the available evidence, this variant is classified as Pathogenic.

Ambry Genetics
Classification: Pathogenic for Hereditary cancer-predisposing syndrome. Last evaluated: 2022-05-24. Review status: criteria provided, single submitter. Criteria: Ambry Variant Classification Scheme 2023. Collection method: clinical testing. Allele origin: germline. Not counted in ClinVar's aggregate classification.
Comment: The p.G1738R pathogenic mutation (also known as c.5212G>A), located in coding exon 18 of the BRCA1 gene, results from a G to A substitution at nucleotide position 5212. The glycine at codon 1738 is replaced by arginine, an amino acid with dissimilar properties. This alteration has been classified as pathogenic (p>0.99) by multifactorial analysis, which integrates the following lines of evidence to produce a quantitative likelihood of pathogenicity: in silico prediction models, segregation with disease, tumor characteristics, and mutation co-occurrence (Easton DF et al. Am. J. Hum. Genet. 2007 Nov;81:873-83; Lindor NM et al. Hum. Mutat. 2012 Jan;33:8-21). This mutation is one of four Greek founder mutations which together account for 73% of mutations identified in BRCA1 in the Greek population (Anagnostopoulos T et al. Breast Cancer Res Treat. 2008;110(2):377-85). In two studies, this variant was identified in 0.4% to 3% of sporadic Greek breast and/or ovarian cancer families and in 3.7% to 12% of Greek carriers of a deleterious BRCA1 or BRCA2 mutation (Armaou S et al. Br J Cancer. 2009,7;101(1):32-7; Stavropoulou AV et al. PLoS One. 2013;8(3)). In addition, this alteration was identified in a large, worldwide study of BRCA1/2 mutation positive families (Rebbeck TR et al. Hum Mutat. 2018 May;39(5):593-620). Multiple functional assays, including protease sensitivity, phosphopeptide binding activity, phosphopeptide binding specificity, and transcriptional assays have shown a deleterious effect (Karchin R et al. PLoS Comput. Biol. 2007;3(2):e26; Lovelock PK et al. Breast Cancer Res. 2007;9(6):R82); Carvalho MA et al. Cancer Res. 2007;15;67(4):1494-501; Lee MS et al. Cancer Res. 2010 Jun 15;70(12):4880-90; Thouvenot P et al. PLoS Genet. 2016 Jun 6;12(6):e1006096). In addition, one functional study found that this nucleotide substitution is deleterious in a high throughput genome editing haploid cell survival assay (Findlay GM et al. Nature. 2018 Oct;562(7726):217-222). Of note, this variant may be referred to as G1738R (5331G>A) in some literature. This variant is considered to be rare based on population cohorts in the Genome Aggregation Database (gnomAD). Based on the supporting evidence, this alteration is interpreted as a disease-causing mutation.